The following is an entry in ClinVar:

NM_000044.6(AR):c.809C>A (p.Ala270Asp)

Gene: AR (androgen receptor; plus strand). Cytogenetic location: Xq12.
Variant type: single nucleotide variant.
Coding change: c.809C>A on transcript NM_000044.6 (MANE Select); coding-DNA position 809, C replaced by A.
Protein change: p.Ala270Asp; replaces alanine 270 with aspartic acid.
Molecular consequence: missense variant. On other transcripts: 5 prime UTR variant (1).
Genome position (GRCh38, 1-based): chrX:67,545,955, C>A. VCF-style: chrX-67545955-C-A. GRCh37 (hg19) VCF-style: chrX-66765797-C-A.
Other names: c.-975C>A (NM_001011645.3); c.809C>A, p.Ala270Asp (NM_001348061.1, NM_001348063.1, NM_001348064.1); short protein forms A270D.
Identifiers: ClinVar variation 1721267 (VCV001721267.5), dbSNP rs905313189, ClinGen allele CA413425697.

ClinVar aggregate classification (germline): Uncertain significance (1 of 4 stars; one submission).

Conditions:
Kennedy disease (SMAX1). Also called: SPINAL AND BULBAR MUSCULAR ATROPHY, X-LINKED 1; KENNEDY SPINAL AND BULBAR MUSCULAR ATROPHY; Spinal and Bulbar Muscular Atrophy. Identifiers: Orphanet 481, MedGen C1839259, MONDO:0010735, OMIM 313200.
Androgen resistance syndrome (AIS). Also called: Androgen insensitivity syndrome due to coactivator deficiency; Androgen insensitivity; ANDROGEN RECEPTOR DEFICIENCY; DIHYDROTESTOSTERONE RECEPTOR DEFICIENCY; DHTR DEFICIENCY; TESTICULAR FEMINIZATION SYNDROME. Identifiers: Orphanet 754, Orphanet 99429, MedGen C0039585, MONDO:0019154, OMIM 300068. Disease mechanism: loss of function.

Submission:

Labcorp Genetics (formerly Invitae), Labcorp
Classification: Uncertain significance for Kennedy disease; Androgen resistance syndrome. Last evaluated: 2022-10-08. Review status: criteria provided, single submitter. Criteria: Invitae Variant Classification Sherloc (09022015). Collection method: clinical testing. Allele origin: germline.
Comment: In summary, the available evidence is currently insufficient to determine the role of this variant in disease. Therefore, it has been classified as a Variant of Uncertain Significance. Advanced modeling of protein sequence and biophysical properties (such as structural, functional, and spatial information, amino acid conservation, physicochemical variation, residue mobility, and thermodynamic stability) has been performed at Invitae for this missense variant, however the output from this modeling did not meet the statistical confidence thresholds required to predict the impact of this variant on AR protein function. This sequence change replaces alanine, which is neutral and non-polar, with aspartic acid, which is acidic and polar, at codon 270 of the AR protein (p.Ala270Asp). This variant is not present in population databases (gnomAD no frequency). This variant has not been reported in the literature in individuals affected with AR-related conditions.